The following is an entry in ClinVar:

NM_138927.4(SON):c.4839A>G (p.Glu1613=)

Gene: SON (SON DNA and RNA binding protein; plus strand). Cytogenetic location: 21q22.11.
Variant type: single nucleotide variant.
Coding change: c.4839A>G on transcript NM_138927.4 (MANE Select); coding-DNA position 4839, A replaced by G.
Protein change: p.Glu1613=; no amino-acid change (glutamic acid 1613 retained).
Molecular consequence: synonymous variant. On other transcripts: non-coding transcript variant (1), intron variant (1).
Genome position (GRCh38, 1-based): chr21:33,554,070, A>G. VCF-style: chr21-33554070-A-G. GRCh37 (hg19) VCF-style: chr21-34926376-A-G.
Other names: c.4839A>G, p.Glu1613= (NM_001291411.2, NM_001412133.1, NM_032195.3 and 2 more transcripts); c.245-3086A>G (NM_001291412.3).
Identifiers: ClinVar variation 1933107 (VCV001933107.6), dbSNP rs144074002, ClinGen allele CA10009607.

ClinVar aggregate classification (germline): Likely benign. Review status: criteria provided, multiple submitters, no conflicts (2 of 4 stars). 2 submissions from 2 submitters: Likely benign (2). Last evaluated 2024-04-10.

Submissions (2):

Labcorp Genetics (formerly Invitae), Labcorp
Classification: Likely benign. Last evaluated: 2024-04-10. Review status: criteria provided, single submitter. Criteria: Invitae Variant Classification Sherloc (09022015). Collection method: clinical testing. Allele origin: germline.

Women's Health and Genetics/Laboratory Corporation of America, LabCorp
Classification: Likely benign. Last evaluated: 2023-11-22. Review status: criteria provided, single submitter. Criteria: LabCorp Variant Classification Summary - May 2015. Collection method: clinical testing. Allele origin: germline.
Comment: Variant summary: SON c.4839A>G alters a non-conserved nucleotide resulting in a synonymous change. Consensus agreement among computation tools predict no significant impact on normal splicing. However, these predictions have yet to be confirmed by functional studies. The variant allele was found at a frequency of 1.6e-05 in 251380 control chromosomes. The available data on variant occurrences in the general population are insufficient to allow any conclusion about variant significance. To our knowledge, no occurrence of c.4839A>G in individuals affected with ZTTK Syndrome and no experimental evidence demonstrating its impact on protein function have been reported. One submitter has cited clinical-significance assessments for this variant to ClinVar after 2014 and has classified the variant as likely benign. Based on the evidence outlined above, the variant was classified as likely benign.